The following is an entry in ClinVar:

ClinVar aggregate classification (germline): Uncertain significance (1 of 4 stars; one submission).

Conditions:
Short-rib thoracic dysplasia 8 with or without polydactyly (SRTD8). Also called: SHORT-RIB THORACIC DYSPLASIA 8 WITH POLYDACTYLY. Identifiers: Orphanet 93271, MedGen C3809691, MONDO:0014214, OMIM 615503.

Submission:

Labcorp Genetics (formerly Invitae), Labcorp
Classification: Uncertain significance for Short-rib thoracic dysplasia 8 with or without polydactyly. Last evaluated: 2023-11-27. Review status: criteria provided, single submitter. Criteria: Invitae Variant Classification Sherloc (09022015). Collection method: clinical testing. Allele origin: unknown.
Comment: This variant is a gross deletion of the genomic region encompassing exon(s) 6-7 of the WDR60 gene. This variant would be expected to be in-frame, preserving the integrity of the reading frame. This variant has not been reported in the literature in individuals affected with WDR60-related conditions. Experimental studies and prediction algorithms are not available or were not evaluated, and the functional significance of this variant is currently unknown. In summary, the available evidence is currently insufficient to determine the role of this variant in disease. Therefore, it has been classified as a Variant of Uncertain Significance.

NC_000007.13:g.(?_158677235)_(158679786_?)del

Gene: DYNC2I1 (dynein 2 intermediate chain 1; plus strand). Cytogenetic location: 7q36.3.
Variant type: Deletion.
Identifiers: ClinVar variation 3245817 (VCV003245817.1).